The following is an entry in ClinVar:

NM_002485.5(NBN):c.1124+9T>G

Gene: NBN (nibrin; minus strand). Cytogenetic location: 8q21.3.
Variant type: single nucleotide variant.
Coding change: c.1124+9T>G on transcript NM_002485.5 (MANE Select); 9 bases into the intron after coding-DNA position 1124, T replaced by G.
Molecular consequence: intron variant.
Genome position (GRCh38, 1-based): chr8:89,958,716, A>C on the plus strand (T>G on the coding strand, the complement: NBN is on the minus strand). VCF-style: chr8-89958716-A-C. GRCh37 (hg19) VCF-style: chr8-90970944-A-C.
Other names: c.878+9T>G (NM_001024688.3).
Identifiers: ClinVar variation 220295 (VCV000220295.14), dbSNP rs864622466, ClinGen allele CA348627.
Genomic context (GRCh38, chr8:89,958,716, plus strand): 5'-TACTTCCTGAATATACTATTAATTTATTGATAGAATAATAACAATAGTACGGTAATGAAG[A>C]AGCTTTACCATGTATCTGCTTGCTCTGATTCTGTGTCAGCTACGTATGTTGTAGTGTTCA-3'

ClinVar aggregate classification (germline): Conflicting classifications of pathogenicity. Review status: criteria provided, conflicting classifications (1 of 4 stars). 4 submissions from 4 submitters: Uncertain significance (1); Likely benign (3). Last evaluated 2025-12-24.

Conditions:
Microcephaly, normal intelligence and immunodeficiency (NBS). Also called: Immunodeficiency, microcephaly with normal intelligence; BERLIN BREAKAGE SYNDROME; IMMUNODEFICIENCY, MICROCEPHALY, AND CHROMOSOMAL INSTABILITY; SEEMANOVA SYNDROME II; Ataxia telangiectasia variant V1; Nijmegen breakage syndrome. Identifiers: Orphanet 647, MedGen C0398791, MONDO:0009623, OMIM 251260.

Allele frequency attached by ClinVar (database versions not stated): gnomAD exomes below 0.00001 and 0.00001; gnomAD 0.00001; TOPMed 0.00001.
gnomAD v4.1: 19 of 1,612,646 alleles (0.0012%); highest among the groups gnomAD compares: African/African-American, 0.0027%; no homozygotes.

Submissions (4):

Labcorp Genetics (formerly Invitae), Labcorp
Classification: Likely benign for Microcephaly, normal intelligence and immunodeficiency. Last evaluated: 2025-12-24. Review status: criteria provided, single submitter. Criteria: Invitae Variant Classification Sherloc (09022015). Collection method: clinical testing. Allele origin: germline.

Quest Diagnostics Nichols Institute San Juan Capistrano
Classification: Uncertain significance. Last evaluated: 2025-04-02. Review status: criteria provided, single submitter. Criteria: Quest Diagnostics criteria. Collection method: clinical testing. Allele origin: unknown.
Comment: The NBN c.1124+9T>G variant has not been reported in individuals with NBN-related conditions in the published literature. The frequency of this variant in the general population (Genome Aggregation Database) is uninformative in the assessment of its pathogenicity. Analysis of this variant using software algorithms for the prediction of the effect of nucleotide changes on splicing yielded predictions that this variant does not affect NBN mRNA splicing. Based on the available information, we are unable to determine the clinical significance of this variant.

Women's Health and Genetics/Laboratory Corporation of America, LabCorp
Classification: Likely benign. Last evaluated: 2023-11-10. Review status: criteria provided, single submitter. Criteria: LabCorp Variant Classification Summary - May 2015. Collection method: clinical testing. Allele origin: germline.

GeneDx
Classification: Likely benign. Last evaluated: 2017-04-25. Review status: criteria provided, single submitter. Criteria: GeneDx Variant Classification (06012015). Collection method: clinical testing. Allele origin: germline. Affected: yes.
Comment: This variant is considered likely benign or benign based on one or more of the following criteria: it is a conservative change, it occurs at a poorly conserved position in the protein, it is predicted to be benign by multiple in silico algorithms, and/or has population frequency not consistent with disease.